The following is an entry in ClinVar:

NM_206933.4(USH2A):c.13756del (p.His4586fs)

Gene: USH2A (usherin; minus strand). Cytogenetic location: 1q41.
Variant type: Deletion.
Coding change: c.13756del on transcript NM_206933.4 (MANE Select); coding-DNA position 13756, one base deleted (C; older notation c.13756delC).
Protein change: p.His4586fs; shifts the reading frame from histidine 4586.
Molecular consequence: frameshift variant.
Genome position (GRCh38, 1-based): chr1:215,674,155, G deleted on the plus strand (C on the coding strand, the reverse complement: USH2A is on the minus strand). VCF-style (leftmost placement, unchanged base first): chr1-215674154-TG-T. GRCh37 (hg19) VCF-style: chr1-215847496-TG-T.
Other names: short protein forms H4586fs.
Identifiers: ClinVar variation 4817095 (VCV004817095.1).

ClinVar aggregate classification (germline): Likely pathogenic (1 of 4 stars; one submission).

Conditions:
Usher syndrome type 2A. Also called: RETINAL DISEASE IN USHER SYNDROME TYPE IIA, MODIFIER OF; USHER SYNDROME, TYPE IIA. Identifiers: Orphanet 231178, Orphanet 886, MedGen C1848634, MONDO:0010169, OMIM 276901.

Submission:

Natera, Inc.
Classification: Likely pathogenic for Usher syndrome type 2A. Last evaluated: 2024-04-16. Review status: criteria provided, single submitter. Criteria: Natera Variant Classification Schema (03/2026). Collection method: clinical testing. Allele origin: germline.
Comment: The c.13756delC variant in USH2A is a frameshift variant predicted to shift the reading frame beginning at codon 4586 and leads to a stop codon 10 codons downstream. This variant is expected to result in nonsense mediated decay, truncation, or a dysfunctional protein product. This variant is rare in the general population with a frequency below the threshold expected for the associated phenotype(s). Given the available evidence, this variant is classified as Likely Pathogenic.